The following is an entry in ClinVar:

NM_014283.5(SUCO):c.3659T>C (p.Ile1220Thr)

Gene: SUCO (SUN domain containing ossification factor; plus strand). Cytogenetic location: 1q24.3.
Variant type: single nucleotide variant.
Coding change: c.3659T>C on transcript NM_014283.5 (MANE Select); coding-DNA position 3659, T replaced by C.
Protein change: p.Ile1220Thr; replaces isoleucine 1220 with threonine.
Molecular consequence: missense variant.
Genome position (GRCh38, 1-based): chr1:172,610,153, T>C. VCF-style: chr1-172610153-T-C. GRCh37 (hg19) VCF-style: chr1-172579293-T-C.
Other names: c.2546T>C, p.Ile849Thr (NM_001282750.2); c.1970T>C, p.Ile657Thr (NM_001282751.2); c.4112T>C, p.Ile1371Thr (NM_016227.4); short protein forms I849T, I1220T, I1371T, I657T.
Identifiers: ClinVar variation 3663103 (VCV003663103.2).

ClinVar aggregate classification (germline): Uncertain significance (1 of 4 stars; one submission).

gnomAD v4.1: 1 of 1,613,630 alleles (0.000062%); highest among the groups gnomAD compares: Non-Finnish European, 0.000085%; no homozygotes.

Submission:

Labcorp Genetics (formerly Invitae), Labcorp
Classification: Uncertain significance. Last evaluated: 2024-08-21. Review status: criteria provided, single submitter. Criteria: Invitae Variant Classification Sherloc (09022015). Collection method: clinical testing. Allele origin: germline.
Comment: This sequence change replaces isoleucine, which is neutral and non-polar, with threonine, which is neutral and polar, at codon 1220 of the SUCO protein (p.Ile1220Thr). This variant is not present in population databases (gnomAD no frequency). This variant has not been reported in the literature in individuals affected with SUCO-related conditions. An algorithm developed to predict the effect of missense changes on protein structure and function (PolyPhen-2) suggests that this variant is likely to be disruptive. In summary, the available evidence is currently insufficient to determine the role of this variant in disease. Therefore, it has been classified as a Variant of Uncertain Significance.